The following is an entry in ClinVar:

NM_001164508.2(NEB):c.11559T>C (p.Asn3853=)

Gene: NEB (nebulin; minus strand). Cytogenetic location: 2q23.3.
Variant type: single nucleotide variant.
Coding change: c.11559T>C on transcript NM_001164508.2 (MANE Select); coding-DNA position 11559, T replaced by C.
Protein change: p.Asn3853=; no amino-acid change (asparagine 3853 retained).
Molecular consequence: synonymous variant.
Genome position (GRCh38, 1-based): chr2:151,614,318, A>G on the plus strand (T>C on the coding strand, the complement: NEB is on the minus strand). VCF-style: chr2-151614318-A-G. GRCh37 (hg19) VCF-style: chr2-152470832-A-G.
Other names: c.11559T>C, p.Asn3853= (NM_001164507.2, NM_001271208.2); c.10830T>C, p.Asn3610= (NM_004543.5).
Identifiers: ClinVar variation 775977 (VCV000775977.36), dbSNP rs369429046, ClinGen allele CA1908738.
Genomic context (GRCh38, chr2:151,614,318, plus strand): 5'-AATATTAGAGCCACTCACATCACTCTGCAGGTCATAGGCCTTCCGAGCCTGAATGACGTC[A>G]TTCTGATCAGGCAGGCAGGTCCATTCATGCAGGGGATGCTTGTAGTCTATGTCGCTTACA-3'
Protein context (NP_001157980.2, residues 3843-3863): LHEWTCLPDQ[Asn3853=]DVIQARKAYD

ClinVar aggregate classification (germline): Likely benign. Review status: criteria provided, multiple submitters, no conflicts (2 of 4 stars). 3 submissions from 3 submitters: Likely benign (2). 1 of the submissions does not count toward it. Last evaluated 2025-12-01.

Conditions:
Nemaline myopathy 2 (NEM2). Also called: Nemaline myopathy 2, autosomal recessive. Identifiers: MedGen C1850569, MONDO:0009725, OMIM 256030.

Allele frequency attached by ClinVar (database versions not stated): gnomAD exomes 0.00001 and 0.00003; ExAC 0.00004; ESP Exome Variant Server 0.00008; gnomAD 0.00008 and 0.00009; TOPMed 0.00009; 1000 Genomes Project 30x 0.00016; 1000 Genomes Project 0.00020.
gnomAD v4.1: 21 of 1,613,906 alleles (0.0013%); highest among the groups gnomAD compares: African/African-American, 0.028%; no homozygotes.

Submissions (3):

Labcorp Genetics (formerly Invitae), Labcorp
Classification: Likely benign for Nemaline myopathy 2. Last evaluated: 2025-12-01. Review status: criteria provided, single submitter. Criteria: Invitae Variant Classification Sherloc (09022015). Collection method: clinical testing. Allele origin: germline.

CeGaT Center for Human Genetics Tuebingen
Classification: Likely benign. Last evaluated: 2022-04-01. Review status: criteria provided, single submitter. Criteria: CeGaT Center For Human Genetics Tuebingen Variant Classification Criteria Version 2. Collection method: clinical testing. Allele origin: germline. Affected: yes. Observed: 1 variant allele.
Comment: NEB: BP4, BP7

Natera, Inc.
Classification: Uncertain significance for Nemaline myopathy type 2. Last evaluated: 2020-02-13. Review status: no assertion criteria provided. Collection method: clinical testing. Allele origin: germline. Not counted in ClinVar's aggregate classification.